The following is an entry in ClinVar:

ClinVar aggregate classification (germline): Pathogenic. Review status: criteria provided, multiple submitters, no conflicts (2 of 4 stars). 2 submissions from 2 submitters: Pathogenic (2). Last evaluated 2026-07-10.

Conditions:
Fetal anomalies with a likely genetic cause.

Submissions (2):

Genetics Laboratory, Great Ormond Street Hospital NHS Foundation Trust, North Thames Genomic Laboratory Hub
Classification: Pathogenic for Fetal anomalies with a likely genetic cause. Last evaluated: 2026-07-10. Review status: criteria provided, single submitter. Criteria: ACGS Best Practice Guidelines for Variant Classification in Rare Disease 2024 v1.2. Collection method: clinical testing. Allele origin: germline. Affected: yes.
Comment: PM2_moderate, PVS1_very-strong

Labcorp Genetics (formerly Invitae), Labcorp
Classification: Pathogenic. Last evaluated: 2025-10-18. Review status: criteria provided, single submitter. Criteria: Invitae Variant Classification Sherloc (09022015). Collection method: clinical testing. Allele origin: germline.
Comment: This sequence change creates a premature translational stop signal (p.Ser292Valfs*9) in the PNPLA8 gene. It is expected to result in an absent or disrupted protein product. Loss-of-function variants in PNPLA8 are known to be pathogenic (PMID: 29681094). This variant is present in population databases (no rsID available, gnomAD 0.002%). This variant has not been reported in the literature in individuals affected with PNPLA8-related conditions. For these reasons, this variant has been classified as Pathogenic.

Literature cited by the submitters: PubMed 29681094 (cited by Labcorp Genetics (formerly Invitae), Labcorp).

NM_001256007.3(PNPLA8):c.873_876del (p.Ser292fs)

Gene: PNPLA8 (patatin like domain 8, phospholipase A2; minus strand). Cytogenetic location: 7q31.1.
Variant type: Microsatellite.
Coding change: c.873_876del on transcript NM_001256007.3 (MANE Select); coding-DNA positions 873 to 876, 4 bases deleted (TTCT; older notation c.873_876delTTCT).
Protein change: p.Ser292fs; shifts the reading frame from serine 292.
Molecular consequence: frameshift variant.
Genome position (GRCh38, 1-based): chr7:108,514,616-108,514,619, AGAA deleted on the plus strand (TTCT on the coding strand, the reverse complement: PNPLA8 is on the minus strand); deleting any 4 consecutive bases within chr7:108,514,616-108,514,625 gives the same sequence; the c. name uses the placement nearest the transcript's 3' end. VCF-style (leftmost placement, unchanged base first): chr7-108514615-GAGAA-G. GRCh37 (hg19) VCF-style: chr7-108155059-GAGAA-G.
Other names: c.873_876del, p.Ser292fs (NM_001256008.3, NM_001256009.3, NM_015723.5); c.573_576del, p.Ser192fs (NM_001256010.3, NM_001256011.3); short protein forms S192fs, S292fs.
Identifiers: ClinVar variation 4697307 (VCV004697307.2).